The following is an entry in ClinVar:

NM_002485.5(NBN):c.800dup (p.Thr268fs)

Gene: NBN (nibrin; minus strand). Cytogenetic location: 8q21.3.
Variant type: Duplication.
Coding change: c.800dup on transcript NM_002485.5 (MANE Select); coding-DNA position 800, one base duplicated (G; older notation c.800dupG).
Protein change: p.Thr268fs; shifts the reading frame from threonine 268.
Molecular consequence: frameshift variant.
Genome position (GRCh38, 1-based): chr8:89,970,460, C duplicated on the plus strand (G on the coding strand, the reverse complement: NBN is on the minus strand); the first of 3 consecutive C bases (chr8:89,970,460-89,970,462); duplicating any one gives the same sequence. VCF-style (leftmost placement, unchanged base first): chr8-89970459-T-TC. GRCh37 (hg19) VCF-style: chr8-90982687-T-TC.
Other names: c.800dupG (NM_002485.4); c.554dup, p.Thr186fs (NM_001024688.3); short protein forms T186fs, T268fs.
Identifiers: ClinVar variation 545860 (VCV000545860.15), dbSNP rs1554563955, ClinGen allele CA658823270.

ClinVar aggregate classification (germline): Pathogenic/Likely pathogenic. Review status: criteria provided, multiple submitters, no conflicts (2 of 4 stars). 3 submissions from 3 submitters: Pathogenic (2); Likely pathogenic (1). Last evaluated 2021-11-18.

Conditions:
Microcephaly, normal intelligence and immunodeficiency (NBS). Also called: Immunodeficiency, microcephaly with normal intelligence; IMMUNODEFICIENCY, MICROCEPHALY, AND CHROMOSOMAL INSTABILITY; BERLIN BREAKAGE SYNDROME; SEEMANOVA SYNDROME II; Ataxia telangiectasia variant V1; Nijmegen breakage syndrome. Identifiers: Orphanet 647, MedGen C0398791, MONDO:0009623, OMIM 251260.

Submissions (3):

GeneDx
Classification: Likely pathogenic. Last evaluated: 2021-11-18. Review status: criteria provided, single submitter. Criteria: GeneDx Variant Classification Process June 2021. Collection method: clinical testing. Allele origin: germline. Affected: yes.
Comment: Frameshift variant predicted to result in protein truncation or nonsense mediated decay in a gene for which loss-of-function is a known mechanism of disease; Not observed at significant frequency in large population cohorts (Lek et al., 2016); Has not been previously published as pathogenic or benign to our knowledge

Genome-Nilou Lab
Classification: Pathogenic for Microcephaly, normal intelligence and immunodeficiency. Last evaluated: 2021-11-07. Review status: criteria provided, single submitter. Criteria: ACMG Guidelines, 2015. Collection method: clinical testing. Allele origin: germline. Affected: no.

Labcorp Genetics (formerly Invitae), Labcorp
Classification: Pathogenic for Microcephaly, normal intelligence and immunodeficiency. Last evaluated: 2021-10-19. Review status: criteria provided, single submitter. Criteria: Invitae Variant Classification Sherloc (09022015). Collection method: clinical testing. Allele origin: germline.
Comment: For these reasons, this variant has been classified as Pathogenic. This variant has not been reported in the literature in individuals with NBN-related conditions. ClinVar contains an entry for this variant (Variation ID: 545860). This variant is not present in population databases (ExAC no frequency). This sequence change creates a premature translational stop signal (p.Thr268Asnfs*5) in the NBN gene. It is expected to result in an absent or disrupted protein product. Loss-of-function variants in NBN are known to be pathogenic (PMID: 9590180, 16415040).

Literature cited by the submitters: PubMed 9590180 (cited by Labcorp Genetics (formerly Invitae), Labcorp); PubMed 16415040 (cited by Labcorp Genetics (formerly Invitae), Labcorp).